The following is an entry in ClinVar:

NM_001267550.2(TTN):c.44791A>G (p.Thr14931Ala)

Gene: TTN (titin; minus strand). Cytogenetic location: 2q31.2.
Variant type: single nucleotide variant.
Coding change: c.44791A>G on transcript NM_001267550.2 (MANE Select); coding-DNA position 44791, A replaced by G.
Protein change: p.Thr14931Ala; replaces threonine 14931 with alanine.
Molecular consequence: missense variant.
Genome position (GRCh38, 1-based): chr2:178,624,489, T>C on the plus strand (A>G on the coding strand, the complement: TTN is on the minus strand). VCF-style: chr2-178624489-T-C. GRCh37 (hg19) VCF-style: chr2-179489216-T-C.
Other names: c.39868A>G, p.Thr13290Ala (NM_001256850.1); c.17596A>G, p.Thr5866Ala (NM_003319.4); c.37087A>G, p.Thr12363Ala (NM_133378.4); c.17971A>G, p.Thr5991Ala (NM_133432.3); c.18172A>G, p.Thr6058Ala (NM_133437.4); short protein forms T14931A, T5866A, T12363A, T13290A, T5991A, T6058A.
Identifiers: ClinVar variation 1779524 (VCV001779524.5), dbSNP rs779264506, ClinGen allele CA1995577.

ClinVar aggregate classification (germline): Uncertain significance. Review status: criteria provided, multiple submitters, no conflicts (2 of 4 stars). 2 submissions from 2 submitters: Uncertain significance (2). Last evaluated 2020-10-28.

Conditions:
Cardiovascular phenotype. Identifiers: MedGen CN230736.

Allele frequency attached by ClinVar (database versions not stated): ExAC 0.00001; TOPMed 0.00001; gnomAD exomes 0.00002; gnomAD 0.00003.
gnomAD v4.1: 26 of 1,612,438 alleles (0.0016%); highest among the groups gnomAD compares: Non-Finnish European, 0.0022%; no homozygotes.

Submissions (2):

Revvity Omics, Revvity
Classification: Uncertain significance. Last evaluated: 2020-10-28. Review status: criteria provided, single submitter. Criteria: ACMG Guidelines, 2015. Collection method: clinical testing. Allele origin: germline.

Ambry Genetics
Classification: Uncertain significance for Cardiovascular phenotype. Last evaluated: 2019-08-28. Review status: criteria provided, single submitter. Criteria: Ambry Variant Classification Scheme 2023. Collection method: clinical testing. Allele origin: germline.
Comment: The p.T5866A variant (also known as c.17596A>G), located in coding exon 69 of the TTN gene, results from an A to G substitution at nucleotide position 17596. The threonine at codon 5866 is replaced by alanine, an amino acid with similar properties. This amino acid position is highly conserved in available vertebrate species. In addition, this alteration is predicted to be tolerated by in silico analysis. Since supporting evidence is limited at this time, the clinical significance of this alteration remains unclear.